The following is an entry in ClinVar:

NM_017721.5(CC2D1A):c.810_813dup (p.Leu272fs)

Gene: CC2D1A (coiled-coil and C2 domain containing 1A; plus strand). Cytogenetic location: 19p13.12.
Variant type: Duplication.
Coding change: c.810_813dup on transcript NM_017721.5 (MANE Select); coding-DNA positions 810 to 813, 4 bases duplicated (TGCC; older notation c.810_813dupTGCC).
Protein change: p.Leu272fs; shifts the reading frame from leucine 272.
Molecular consequence: frameshift variant.
Genome position (GRCh38, 1-based): chr19:13,918,131-13,918,134, TGCC duplicated; duplicating any 4 consecutive bases within chr19:13,918,130-13,918,134 gives the same sequence; the c. name uses the placement nearest the transcript's 3' end. VCF-style (leftmost placement, unchanged base first): chr19-13918129-G-GCTGC. GRCh37 (hg19) VCF-style: chr19-14028942-G-GCTGC.
Other names: c.810_813dup, p.Leu272fs (NM_001411138.1); short protein forms L272fs.
Identifiers: ClinVar variation 2832444 (VCV002832444.3), dbSNP rs1971272346, ClinGen allele CA2324123258.
Genomic context (GRCh38, chr19:13,918,129, plus strand): 5'-GGTCCCTGCAGCCCTGGCCCTCTGGCCCAGTTGCAGAGCCGCCAGCGCGACTACAAGCTG[G>GCTGC]CTGCCCTCCACGCCAAGCAGCAGGGAGATACCACTGCTGCCGCTAGACACTTCCGCGTGG-3'

ClinVar aggregate classification (germline): Pathogenic (1 of 4 stars; one submission).

Submission:

Labcorp Genetics (formerly Invitae), Labcorp
Classification: Pathogenic. Last evaluated: 2023-03-07. Review status: criteria provided, single submitter. Criteria: Invitae Variant Classification Sherloc (09022015). Collection method: clinical testing. Allele origin: germline.
Comment: This variant has not been reported in the literature in individuals affected with CC2D1A-related conditions. This variant is not present in population databases (gnomAD no frequency). This sequence change creates a premature translational stop signal (p.Leu272Cysfs*15) in the CC2D1A gene. It is expected to result in an absent or disrupted protein product. Loss-of-function variants in CC2D1A are known to be pathogenic (PMID: 16033914). For these reasons, this variant has been classified as Pathogenic.

Literature cited by the submitters: PubMed 16033914.